The following is an entry in ClinVar:

NM_003872.3(NRP2):c.524G>A (p.Cys175Tyr)

Gene: NRP2 (neuropilin 2; plus strand). Cytogenetic location: 2q33.3.
Variant type: single nucleotide variant.
Coding change: c.524G>A on transcript NM_003872.3 (MANE Select); coding-DNA position 524, G replaced by A.
Protein change: p.Cys175Tyr; replaces cysteine 175 with tyrosine.
Molecular consequence: missense variant.
Genome position (GRCh38, 1-based): chr2:205,722,568, G>A. VCF-style: chr2-205722568-G-A. GRCh37 (hg19) VCF-style: chr2-206587292-G-A.
Other names: c.524G>A, p.Cys175Tyr (NM_018534.4, NM_201264.2, NM_201266.2 and 2 more transcripts); short protein forms C175Y.
Identifiers: ClinVar variation 4997512 (VCV004997512.1).

ClinVar aggregate classification (germline): Uncertain significance (1 of 4 stars; one submission).

Conditions:
NRP2-related disorder. Also called: NRP2-related condition.

Submission:

PreventionGenetics, part of Exact Sciences
Classification: Uncertain significance for NRP2-related condition. Last evaluated: 2025-01-23. Review status: criteria provided, single submitter. Criteria: ACMG Guidelines, 2015. Collection method: clinical testing. Allele origin: germline.
Comment: The NRP2 c.524G>A variant is predicted to result in the amino acid substitution p.Cys175Tyr. To our knowledge, this variant has not been reported in the literature or in a large population database (gnomAD), indicating this variant is rare. At this time, the clinical significance of this variant is uncertain due to the absence of conclusive functional and genetic evidence.